The following is an entry in ClinVar:

NM_012479.4(YWHAG):c.609C>T (p.Asp203=)

Gene: YWHAG (tyrosine 3-monooxygenase/tryptophan 5-monooxygenase activation protein gamma; minus strand). Cytogenetic location: 7q11.23.
Variant type: single nucleotide variant.
Coding change: c.609C>T on transcript NM_012479.4 (MANE Select); coding-DNA position 609, C replaced by T.
Protein change: p.Asp203=; no amino-acid change (aspartic acid 203 retained).
Molecular consequence: synonymous variant.
Genome position (GRCh38, 1-based): chr7:76,329,712, G>A on the plus strand (C>T on the coding strand, the complement: YWHAG is on the minus strand). VCF-style: chr7-76329712-G-A. GRCh37 (hg19) VCF-style: chr7-75959029-G-A.
Identifiers: ClinVar variation 707381 (VCV000707381.36), dbSNP rs78824969, ClinGen allele CA4306503.

ClinVar aggregate classification (germline): Benign/Likely benign. Review status: criteria provided, multiple submitters, no conflicts (2 of 4 stars). 4 submissions from 4 submitters: Benign (2); Likely benign (1). 1 of the submissions does not count toward it. Last evaluated 2026-01-27.

Conditions:
YWHAG-related disorder. Also called: YWHAG-related condition.

Allele frequency attached by ClinVar (database versions not stated): gnomAD exomes 0.00026 and 0.00065; ExAC 0.00078; gnomAD 0.00271 and 0.00288; TOPMed 0.00274; 1000 Genomes Project 0.00300; ESP Exome Variant Server 0.00338; 1000 Genomes Project 30x 0.00390.
gnomAD v4.1: 807 of 1,614,234 alleles (0.05%); highest among the groups gnomAD compares: African/African-American, 0.94%; 7 homozygotes.

Submissions (4):

Labcorp Genetics (formerly Invitae), Labcorp
Classification: Benign. Last evaluated: 2026-01-27. Review status: criteria provided, single submitter. Criteria: Invitae Variant Classification Sherloc (09022015). Collection method: clinical testing. Allele origin: germline.

CeGaT Center for Human Genetics Tuebingen
Classification: Likely benign. Last evaluated: 2022-11-01. Review status: criteria provided, single submitter. Criteria: CeGaT Center For Human Genetics Tuebingen Variant Classification Criteria Version 2. Collection method: clinical testing. Allele origin: germline. Affected: yes. Observed: 1 variant allele.
Comment: YWHAG: BP4, BP7, BS2

Breakthrough Genomics
Classification: Benign. Review status: criteria provided, single submitter. Criteria: ACMG Guidelines, 2015. Collection method: not provided. Allele origin: germline. Inheritance: Autosomal dominant inheritance. Affected: yes.

PreventionGenetics, part of Exact Sciences
Classification: Benign for YWHAG-related condition. Last evaluated: 2019-08-12. Review status: no assertion criteria provided. Collection method: clinical testing. Allele origin: germline. Not counted in ClinVar's aggregate classification.
Comment: This variant is classified as benign based on ACMG/AMP sequence variant interpretation guidelines (Richards et al. 2015 PMID: 25741868, with internal and published modifications).